The following is an entry in ClinVar:

NM_020795.4(NLGN2):c.137C>T (p.Thr46Met)

Gene: NLGN2 (neuroligin 2; plus strand). Cytogenetic location: 17p13.1.
Variant type: single nucleotide variant.
Coding change: c.137C>T on transcript NM_020795.4 (MANE Select); coding-DNA position 137, C replaced by T.
Protein change: p.Thr46Met; replaces threonine 46 with methionine.
Molecular consequence: missense variant.
Genome position (GRCh38, 1-based): chr17:7,408,392, C>T. VCF-style: chr17-7408392-C-T. GRCh37 (hg19) VCF-style: chr17-7311711-C-T.
Other names: short protein forms T46M.
Identifiers: ClinVar variation 2446339 (VCV002446339.1), dbSNP rs1906742259, ClinGen allele CA397812347.

ClinVar aggregate classification (germline): Uncertain significance (1 of 4 stars; one submission).

Submission:

GeneDx
Classification: Uncertain significance. Last evaluated: 2022-09-27. Review status: criteria provided, single submitter. Criteria: GeneDx Variant Classification Process June 2021. Collection method: clinical testing. Allele origin: germline. Affected: yes.
Comment: Not observed at significant frequency in large population cohorts (gnomAD); In silico analysis supports that this missense variant has a deleterious effect on protein structure/function; Has not been previously published as pathogenic or benign to our knowledge